The following is an entry in ClinVar:

NM_000384.3(APOB):c.7529C>T (p.Ala2510Val)

Gene: APOB (apolipoprotein B; minus strand). Cytogenetic location: 2p24.1.
Variant type: single nucleotide variant.
Coding change: c.7529C>T on transcript NM_000384.3 (MANE Select); coding-DNA position 7529, C replaced by T.
Protein change: p.Ala2510Val; replaces alanine 2510 with valine.
Molecular consequence: missense variant.
Genome position (GRCh38, 1-based): chr2:21,009,339, G>A on the plus strand (C>T on the coding strand, the complement: APOB is on the minus strand). VCF-style: chr2-21009339-G-A. GRCh37 (hg19) VCF-style: chr2-21232211-G-A.
Other names: p.Ala2510Val; short protein forms A2510V.
Identifiers: ClinVar variation 1176085 (VCV001176085.35), dbSNP rs1329248076, ClinGen allele CA345996953.

ClinVar aggregate classification (germline): Uncertain significance. Review status: criteria provided, multiple submitters, no conflicts (2 of 4 stars). 2 submissions from 2 submitters: Uncertain significance (2). Last evaluated 2025-10-07.

Allele frequency attached by ClinVar (database versions not stated): gnomAD exomes 0.00001.
gnomAD v4.1: 7 of 1,614,040 alleles (0.00043%); highest among the groups gnomAD compares: South Asian, 0.0022%; no homozygotes.

Submissions (2):

Mayo Clinic Laboratories, Mayo Clinic
Classification: Uncertain significance. Last evaluated: 2025-10-07. Review status: criteria provided, single submitter. Criteria: ACMG Guidelines, 2015. Collection method: clinical testing. Allele origin: germline. Observed: 1 variant allele.
Comment: BP4_moderate

CeGaT Center for Human Genetics Tuebingen
Classification: Uncertain significance. Last evaluated: 2021-06-01. Review status: criteria provided, single submitter. Criteria: CeGaT Center For Human Genetics Tuebingen Variant Classification Criteria Version 2. Collection method: clinical testing. Allele origin: germline. Affected: yes. Observed: 1 variant allele.